The following is an entry in ClinVar:

NM_001854.4(COL11A1):c.4312G>A (p.Gly1438Ser)

Gene: COL11A1 (collagen type XI alpha 1 chain; minus strand). Cytogenetic location: 1p21.1.
Variant type: single nucleotide variant.
Coding change: c.4312G>A on transcript NM_001854.4 (MANE Select); coding-DNA position 4312, G replaced by A.
Protein change: p.Gly1438Ser; replaces glycine 1438 with serine.
Molecular consequence: missense variant. On other transcripts: non-coding transcript variant (1).
Genome position (GRCh38, 1-based): chr1:102,890,495, C>T on the plus strand (G>A on the coding strand, the complement: COL11A1 is on the minus strand). VCF-style: chr1-102890495-C-T. GRCh37 (hg19) VCF-style: chr1-103356051-C-T.
Other names: c.3964G>A, p.Gly1322Ser (NM_001168249.1, NM_080630.4); c.4195G>A, p.Gly1399Ser (NM_001190709.2); c.4348G>A, p.Gly1450Ser (NM_080629.3); short protein forms G1322S, G1399S, G1438S, G1450S.
Identifiers: ClinVar variation 1938263 (VCV001938263.5), dbSNP rs774243069, ClinGen allele CA973587.

ClinVar aggregate classification (germline): Uncertain significance (1 of 4 stars; one submission).

Allele frequency attached by ClinVar (database versions not stated): ExAC 0.00001.

Submission:

Labcorp Genetics (formerly Invitae), Labcorp
Classification: Uncertain significance. Last evaluated: 2022-05-30. Review status: criteria provided, single submitter. Criteria: Invitae Variant Classification Sherloc (09022015). Collection method: clinical testing. Allele origin: germline.
Comment: This sequence change replaces glycine, which is neutral and non-polar, with serine, which is neutral and polar, at codon 1438 of the COL11A1 protein (p.Gly1438Ser). This variant is present in population databases (rs774243069, gnomAD 0.0009%). This variant has not been reported in the literature in individuals affected with COL11A1-related conditions. Advanced modeling of protein sequence and biophysical properties (such as structural, functional, and spatial information, amino acid conservation, physicochemical variation, residue mobility, and thermodynamic stability) performed at Invitae indicates that this missense variant is expected to disrupt COL11A1 protein function. In summary, the available evidence is currently insufficient to determine the role of this variant in disease. Therefore, it has been classified as a Variant of Uncertain Significance.